The following is an entry in ClinVar:

NM_177438.3(DICER1):c.5282T>C (p.Val1761Ala)

Gene: DICER1 (dicer 1, ribonuclease III; minus strand). Cytogenetic location: 14q32.13.
Variant type: single nucleotide variant.
Coding change: c.5282T>C on transcript NM_177438.3 (MANE Select); coding-DNA position 5282, T replaced by C.
Protein change: p.Val1761Ala; replaces valine 1761 with alanine.
Molecular consequence: missense variant.
Genome position (GRCh38, 1-based): chr14:95,093,970, A>G on the plus strand (T>C on the coding strand, the complement: DICER1 is on the minus strand). VCF-style: chr14-95093970-A-G. GRCh37 (hg19) VCF-style: chr14-95560307-A-G.
Other names: NM_177438.3(DICER1):c.5282T>C; p.Val1761Ala; c.5282T>C, p.Val1761Ala (NM_001195573.1, NM_001271282.3, NM_001291628.2 and 1 more transcripts); short protein forms V1761A.
Identifiers: ClinVar variation 483441 (VCV000483441.15), dbSNP rs1555366735, ClinGen allele CA390865041.

ClinVar aggregate classification (germline): Uncertain significance. Review status: reviewed by expert panel (3 of 4 stars). 3 submissions from 3 submitters: Uncertain significance (1). 2 of the submissions do not count toward it. Last evaluated 2025-08-26.

Conditions:
DICER1-related tumor predisposition. Also called: DICER1-related pleuropulmonary blastoma cancer predisposition syndrome; DICER1 syndrome. Identifiers: Orphanet 284343, MedGen C3839822, MONDO:0100216.
Hereditary cancer-predisposing syndrome. Also called: Hereditary neoplastic syndrome; Neoplastic Syndromes, Hereditary; Tumor predisposition; Hereditary Cancer Syndrome. Identifiers: Orphanet 140162, MedGen C0027672, MeSH D009386, MONDO:0015356.

Submissions (3):

ClinGen DICER1 and miRNA-Processing Gene Variant Curation Expert Panel, ClinGen
Classification: Uncertain significance for DICER1-related tumor predisposition. Last evaluated: 2025-08-26. Review status: reviewed by expert panel. Criteria: ClinGen DICER1 ACMG Specifications DICER1 V1.4.0. Collection method: curation. Allele origin: germline. Inheritance: Autosomal dominant inheritance.
Comment: The NM_177438.2:c.5282T>C variant in DICER1 is a missense variant predicted to cause substitution of valine by alanine at amino acid 1761 (p.Val1761Ala). Although this variant has been observed in individuals undergoing genetic sequencing, to our knowledge, this variant has not been reported in individuals with DICER1-related tumor predisposition (PS4 not met; Internal lab contributors). This variant is absent from gnomAD v4.1.0 (PM2_Supporting). In silico tools predict no damaging impact of the variant on protein function (REVEL: 0.365; MaxEntScan and SpliceAI: no effect on splicing) (BP4). This variant resides within the RNase IIIb domain (PM1_Supporting; PMID: 31342592). In summary, this variant meets the criteria to be classified as Uncertain Significance for DICER1-related tumor predisposition based on the ACMG/AMP criteria applied, as specified by the ClinGen DICER1 VCEP: PM2_Supporting, BP4, PM1_Supporting. (Bayesian Points: 1; VCEP specifications version 1.4.0; 08/26/2025)

Labcorp Genetics (formerly Invitae), Labcorp
Classification: Uncertain significance for DICER1-related tumor predisposition. Last evaluated: 2025-10-13. Review status: criteria provided, single submitter. Criteria: Invitae Variant Classification Sherloc (09022015). Collection method: clinical testing. Allele origin: germline. Not counted in ClinVar's aggregate classification.
Comment: This sequence change replaces valine, which is neutral and non-polar, with alanine, which is neutral and non-polar, at codon 1761 of the DICER1 protein (p.Val1761Ala). This variant is not present in population databases (gnomAD no frequency). This variant has not been reported in the literature in individuals affected with DICER1-related conditions. ClinVar contains an entry for this variant (Variation ID: 483441). Invitae Evidence Modeling of protein sequence and biophysical properties (such as structural, functional, and spatial information, amino acid conservation, physicochemical variation, residue mobility, and thermodynamic stability) indicates that this missense variant is not expected to disrupt DICER1 protein function with a negative predictive value of 95%. In summary, the available evidence is currently insufficient to determine the role of this variant in disease. Therefore, it has been classified as a Variant of Uncertain Significance.

Ambry Genetics
Classification: Uncertain significance for Hereditary cancer-predisposing syndrome. Last evaluated: 2023-12-05. Review status: criteria provided, single submitter. Criteria: Ambry Variant Classification Scheme 2023. Collection method: clinical testing. Allele origin: germline. Not counted in ClinVar's aggregate classification.
Comment: The p.V1761A variant (also known as c.5282T>C), located in coding exon 23 of the DICER1 gene, results from a T to C substitution at nucleotide position 5282. The valine at codon 1761 is replaced by alanine, an amino acid with similar properties. This amino acid position is well conserved in available vertebrate species. In addition, the in silico prediction for this alteration is inconclusive. Since supporting evidence is limited at this time, the clinical significance of this alteration remains unclear.